The following is an entry in ClinVar:

NM_000260.4(MYO7A):c.6062_6063delinsGA (p.Lys2021Arg)

Gene: MYO7A (myosin VIIA; plus strand). Cytogenetic location: 11q13.5.
Variant type: Indel.
Coding change: c.6062_6063delinsGA on transcript NM_000260.4 (MANE Select); coding-DNA positions 6062 to 6063, AG replaced by GA.
Protein change: p.Lys2021Arg; replaces lysine 2021 with arginine.
Molecular consequence: missense variant.
Genome position (GRCh38, 1-based): chr11:77,211,162-77,211,163, AG replaced by GA. VCF-style: chr11-77211162-AG-GA. GRCh37 (hg19) VCF-style: chr11-76922207-AG-GA.
Other names: c.5948_5949delinsGA, p.Lys1983Arg (NM_001127180.2); c.5915_5916delinsGA, p.Lys1972Arg (NM_001369365.1); short protein forms K1972R, K1983R, K2021R.
Identifiers: ClinVar variation 2695558 (VCV002695558.3), dbSNP rs2497798091, ClinGen allele CA2697548854.

ClinVar aggregate classification (germline): Uncertain significance (1 of 4 stars; one submission).

Submission:

Labcorp Genetics (formerly Invitae), Labcorp
Classification: Uncertain significance. Last evaluated: 2023-11-13. Review status: criteria provided, single submitter. Criteria: Invitae Variant Classification Sherloc (09022015). Collection method: clinical testing. Allele origin: germline.
Comment: This sequence change replaces lysine, which is basic and polar, with arginine, which is basic and polar, at codon 2021 of the MYO7A protein (p.Lys2021Arg). Information on the frequency of this variant in the gnomAD database is not available, as this variant may be reported differently in the database. This missense change has been observed in individual(s) with Usher syndrome (PMID: 21436283). In at least one individual the data is consistent with being in trans (on the opposite chromosome) from a pathogenic variant. An algorithm developed to predict the effect of missense changes on protein structure and function (PolyPhen-2) suggests that this variant is likely to be disruptive. This variant disrupts the p.Lys2021 amino acid residue in MYO7A. Other variant(s) that disrupt this residue have been observed in individuals with MYO7A-related conditions (PMID: 31486067), which suggests that this may be a clinically significant amino acid residue. In summary, the available evidence is currently insufficient to determine the role of this variant in disease. Therefore, it has been classified as a Variant of Uncertain Significance.

Literature cited by the submitters: PubMed 21436283; PubMed 31486067.